The following is an entry in ClinVar:

ClinVar aggregate classification (germline): Uncertain significance. Review status: criteria provided, multiple submitters, no conflicts (2 of 4 stars). 3 submissions from 3 submitters: Uncertain significance (2). 1 of the submissions does not count toward it. Last evaluated 2022-12-01.

Conditions:
Inborn genetic diseases. Identifiers: MedGen C0950123, MeSH D030342.

Allele frequency attached by ClinVar (database versions not stated): gnomAD 0.00001 and 0.00002; gnomAD exomes 0.00001 and 0.00002; TOPMed 0.00003.

Submissions (3):

Ambry Genetics
Classification: Uncertain significance for Inborn genetic diseases. Last evaluated: 2022-12-01. Review status: criteria provided, single submitter. Criteria: Ambry Variant Classification Scheme 2023. Collection method: clinical testing. Allele origin: germline.

Blueprint Genetics
Classification: Uncertain significance. Last evaluated: 2022-01-24. Review status: criteria provided, single submitter. Criteria: ACMG Guidelines, 2015. Collection method: clinical testing. Allele origin: germline.

Department of Pathology and Laboratory Medicine, Sinai Health System
Classification: Uncertain significance. Review status: no assertion criteria provided. Collection method: clinical testing. Allele origin: unknown. Affected: yes. Study: The Canadian Open Genetics Repository (COGR). Not counted in ClinVar's aggregate classification.
Comment: The LOXHD1 p.Thr1510Met variant was not identified in literature nor ClinVar. The variant was identified in dbSNP (ID: rs1032563817Â¬â€ ). The variant was identified in control databases in 2 of 158540 chromosomes at a frequency of 0.00001262 (Genome Aggregation Database March 6, 2019, v2.1.1). The variant was observed in the following populations: European (non-Finnish) in 2 of 61062 chromosomes (freq: 0.000033), but was not observed in the African, Latino, Ashkenazi Jewish, East Asian, European (Finnish), Other, or South Asian populations.

NM_001384474.1(LOXHD1):c.4529C>T (p.Thr1510Met)

Gene: LOXHD1 (lipoxygenase homology PLAT domains 1; minus strand). Cytogenetic location: 18q21.1.
Variant type: single nucleotide variant.
Coding change: c.4529C>T on transcript NM_001384474.1 (MANE Select); coding-DNA position 4529, C replaced by T.
Protein change: p.Thr1510Met; replaces threonine 1510 with methionine.
Molecular consequence: missense variant.
Genome position (GRCh38, 1-based): chr18:46,529,178, G>A on the plus strand (C>T on the coding strand, the complement: LOXHD1 is on the minus strand). VCF-style: chr18-46529178-G-A. GRCh37 (hg19) VCF-style: chr18-44109141-G-A.
Other names: c.1196C>T, p.Thr399Met (NM_001145472.3); c.908C>T, p.Thr303Met (NM_001308013.2); c.4529C>T, p.Thr1510Met (NM_144612.7); c.4529C>T (NM_144612.6); short protein forms T1510M, T303M, T399M.
Identifiers: ClinVar variation 1049572 (VCV001049572.5), dbSNP rs1032563817, ClinGen allele CA299802790.